The following is an entry in ClinVar:

NM_000138.5(FBN1):c.3349del (p.Cys1117fs)

Gene: FBN1 (fibrillin 1; minus strand). Cytogenetic location: 15q21.1.
Variant type: Deletion.
Coding change: c.3349del on transcript NM_000138.5 (MANE Select); coding-DNA position 3349, one base deleted (T; older notation c.3349delT).
Protein change: p.Cys1117fs; shifts the reading frame from cysteine 1117.
Molecular consequence: frameshift variant.
Genome position (GRCh38, 1-based): chr15:48,487,426, A deleted on the plus strand (T on the coding strand, the reverse complement: FBN1 is on the minus strand). VCF-style (leftmost placement, unchanged base first): chr15-48487425-CA-C. GRCh37 (hg19) VCF-style: chr15-48779622-CA-C.
Other names: c.3349delT (NM_000138.4); short protein forms C1117fs.
Identifiers: ClinVar variation 659088 (VCV000659088.6), dbSNP rs1597563316, ClinGen allele CA915946582.

ClinVar aggregate classification (germline): Pathogenic (1 of 4 stars; one submission).

Conditions:
Familial thoracic aortic aneurysm and aortic dissection (TAAD). Also called: Thoracic aortic aneurysms and dissections. Identifiers: Orphanet 91387, MedGen C4707243, MONDO:0019625.
Marfan syndrome (MFS). Also called: FBN1-Related Marfan Syndrome; Marfan syndrome type 1; Marfan's syndrome; Marfan syndrome, classic; MARFAN SYNDROME, TYPE I. Identifiers: Orphanet 284963, Orphanet 558, MedGen C0024796, MONDO:0007947, OMIM 154700.

Submission:

Labcorp Genetics (formerly Invitae), Labcorp
Classification: Pathogenic for Marfan syndrome; Familial thoracic aortic aneurysm and aortic dissection. Last evaluated: 2018-08-05. Review status: criteria provided, single submitter. Criteria: Invitae Variant Classification Sherloc (09022015). Collection method: clinical testing. Allele origin: germline.
Comment: Loss-of-function variants in FBN1 are known to be pathogenic (PMID: 17657824, 19293843). For these reasons, this variant has been classified as Pathogenic. Algorithms developed to predict the effect of sequence changes on RNA splicing suggest that this variant may create or strengthen a splice site, but this prediction has not been confirmed by published transcriptional studies. This sequence change creates a premature translational stop signal (p.Cys1117Valfs*45) in the FBN1 gene. It is expected to result in an absent or disrupted protein product. This variant is not present in population databases (ExAC no frequency). This variant has not been reported in the literature in individuals with FBN1-related disease.

Literature cited by the submitters: PubMed 17657824; PubMed 19293843.